The following is an entry in ClinVar:

NM_000238.4(KCNH2):c.985A>G (p.Thr329Ala)

Gene: KCNH2 (potassium voltage-gated channel subfamily H member 2; minus strand). Cytogenetic location: 7q36.1.
Variant type: single nucleotide variant.
Coding change: c.985A>G on transcript NM_000238.4 (MANE Select); coding-DNA position 985, A replaced by G.
Protein change: p.Thr329Ala; replaces threonine 329 with alanine.
Molecular consequence: missense variant.
Genome position (GRCh38, 1-based): chr7:150,957,434, T>C on the plus strand (A>G on the coding strand, the complement: KCNH2 is on the minus strand). VCF-style: chr7-150957434-T-C. GRCh37 (hg19) VCF-style: chr7-150654522-T-C.
Other names: c.697A>G, p.Thr233Ala (NM_001406753.1, NM_001406756.1); c.808A>G, p.Thr270Ala (NM_001406755.1); c.685A>G, p.Thr229Ala (NM_001406757.1); c.985A>G, p.Thr329Ala (NM_172056.3); short protein forms T329A, T270A, T233A, T229A.
Identifiers: ClinVar variation 640482 (VCV000640482.12), dbSNP rs946110595, ClinGen allele CA169080882.

ClinVar aggregate classification (germline): Uncertain significance. Review status: criteria provided, multiple submitters, no conflicts (2 of 4 stars). 3 submissions from 3 submitters: Uncertain significance (3). Last evaluated 2023-08-15.

Conditions:
Cardiovascular phenotype. Identifiers: MedGen CN230736.
Long QT syndrome (LQTS). Identifiers: MedGen C0023976, MeSH D008133, MONDO:0002442. Disease mechanism: loss of function. Inheritance: Various modes of inheritance.

Submissions (3):

All of Us Research Program, National Institutes of Health
Classification: Uncertain significance for Long QT syndrome. Last evaluated: 2023-08-15. Review status: criteria provided, single submitter. Criteria: ACMG Guidelines, 2015. Collection method: clinical testing. Allele origin: germline. Inheritance: Autosomal dominant inheritance. Observed: 1 variant allele, 1 heterozygote.
Comment: This missense variant replaces threonine with alanine at codon 329 of the KCNH2 protein. Computational prediction is inconclusive regarding the impact of this variant on protein structure and function (internally defined REVEL score threshold 0.5 < inconclusive < 0.7, PMID: 27666373). To our knowledge, functional studies have not been reported for this variant. This variant has been reported in an individual suspected of having epilepsy (PMID: 31696929). This variant has not been identified in the general population by the Genome Aggregation Database (gnomAD). The available evidence is insufficient to determine the role of this variant in disease conclusively. Therefore, this variant is classified as a Variant of Uncertain Significance.

This study involves interpretation of variants in research participants for the purpose of population health screening. Participant phenotype was not available at the time of variant classification. Additional details can be found in publication PMID: 35346344, PMCID: PMC8962531

Ambry Genetics
Classification: Uncertain significance for Cardiovascular phenotype. Last evaluated: 2022-05-31. Review status: criteria provided, single submitter. Criteria: Ambry Variant Classification Scheme 2023. Collection method: clinical testing. Allele origin: germline.
Comment: The p.T329A variant (also known as c.985A>G), located in coding exon 5 of the KCNH2 gene, results from an A to G substitution at nucleotide position 985. The threonine at codon 329 is replaced by alanine, an amino acid with similar properties. This variant has been detected in a suspected epilepsy cohort; however, details were limited (Li X et al. Ann Hum Genet, 2020 03;84:161-168). This amino acid position is well conserved in available vertebrate species. In addition, the in silico prediction for this alteration is inconclusive. Since supporting evidence is limited at this time, the clinical significance of this alteration remains unclear.

Labcorp Genetics (formerly Invitae), Labcorp
Classification: Uncertain significance for Long QT syndrome. Last evaluated: 2018-07-05. Review status: criteria provided, single submitter. Criteria: Invitae Variant Classification Sherloc (09022015). Collection method: clinical testing. Allele origin: germline.
Comment: In summary, the available evidence is currently insufficient to determine the role of this variant in disease. Therefore, it has been classified as a Variant of Uncertain Significance. Algorithms developed to predict the effect of missense changes on protein structure and function (SIFT, PolyPhen-2, Align-GVGD) all suggest that this variant is likely to be tolerated, but these predictions have not been confirmed by published functional studies and their clinical significance is uncertain. This variant has not been reported in the literature in individuals with KCNH2-related disease. This variant is not present in population databases (ExAC no frequency). This sequence change replaces threonine with alanine at codon 329 of the KCNH2 protein (p.Thr329Ala). The threonine residue is weakly conserved and there is a small physicochemical difference between threonine and alanine.

Literature cited by the submitters: PubMed 31696929 (cited by All of Us Research Program, National Institutes of Health and Ambry Genetics).